The following is an entry in ClinVar:

ClinVar aggregate classification (germline): Uncertain significance. Review status: criteria provided, multiple submitters, no conflicts (2 of 4 stars). 2 submissions from 2 submitters: Uncertain significance (2). Last evaluated 2021-05-18.

Submissions (2):

Labcorp Genetics (formerly Invitae), Labcorp
Classification: Uncertain significance. Last evaluated: 2021-05-18. Review status: criteria provided, single submitter. Criteria: Invitae Variant Classification Sherloc (09022015). Collection method: clinical testing. Allele origin: germline.
Comment: In summary, the available evidence is currently insufficient to determine the role of this variant in disease. Therefore, it has been classified as a Variant of Uncertain Significance. Experimental studies and prediction algorithms are not available or were not evaluated, and the functional significance of this variant is currently unknown. This variant has not been reported in the literature in individuals with CPLANE1-related conditions. This variant is not present in population databases (ExAC no frequency). This sequence change results in a frameshift in the CPLANE1 gene (p.Leu3141Phefs*76). While this is not anticipated to result in nonsense mediated decay, it is expected to disrupt the last 57 amino acid(s) of the CPLANE1 protein and extend the protein by 18 additional amino acid residues.

GeneDx
Classification: Uncertain significance. Last evaluated: 2021-01-02. Review status: criteria provided, single submitter. Criteria: GeneDx Variant Classification Process June 2021. Collection method: clinical testing. Allele origin: germline. Affected: yes.
Comment: Not observed at a significant frequency in large population cohorts (Lek et al., 2016); Frameshift variant predicted to result in protein truncation as the last 57 amino acids are replaced with 75 different amino acids, although loss-of-function variants have not been reported downstream of this position in the protein; Has not been previously published as pathogenic or benign to our knowledge

NM_001384732.1(CPLANE1):c.9585_9588del (p.Leu3195fs)

Gene: CPLANE1 (ciliogenesis and planar polarity effector complex subunit 1; minus strand). Cytogenetic location: 5p13.2.
Variant type: Deletion.
Coding change: c.9585_9588del on transcript NM_001384732.1 (MANE Select); coding-DNA positions 9585 to 9588, 4 bases deleted (GTCT; older notation c.9585_9588delGTCT).
Protein change: p.Leu3195fs; shifts the reading frame from leucine 3195.
Molecular consequence: frameshift variant.
Genome position (GRCh38, 1-based): chr5:37,107,770-37,107,773, AGAC deleted on the plus strand (GTCT on the coding strand, the reverse complement: CPLANE1 is on the minus strand); deleting any 4 consecutive bases within chr5:37,107,770-37,107,774 gives the same sequence; the c. name uses the placement nearest the transcript's 3' end. VCF-style (leftmost placement, unchanged base first): chr5-37107769-GAGAC-G. GRCh37 (hg19) VCF-style: chr5-37107871-GAGAC-G.
Other names: c.9423_9426del, p.Leu3141fs (NM_023073.4); short protein forms L3141fs, L3195fs.
Identifiers: ClinVar variation 1313869 (VCV001313869.5), dbSNP rs1561272294, ClinGen allele CA559018601.
Genomic context (GRCh38, chr5:37,107,769, plus strand): 5'-CAGACACGCTGTCCACACCGCCCACCCCAAAAGGATGCTCTGGCTCTTCCTCTTCAGTTG[GAGAC>G]AAGTCCTATTAAATTGAAAAGACAATTGTGGTCCTAGCCCCTAAAAACAAACAAAAAAAC-3'